The following is an entry in ClinVar:

NM_020163.3(SEMA3G):c.1104G>A (p.Gly368=)

Gene: SEMA3G (semaphorin 3G; minus strand). Cytogenetic location: 3p21.1.
Variant type: single nucleotide variant.
Coding change: c.1104G>A on transcript NM_020163.3 (MANE Select); coding-DNA position 1104, G replaced by A.
Protein change: p.Gly368=; no amino-acid change (glycine 368 retained).
Molecular consequence: synonymous variant.
Genome position (GRCh38, 1-based): chr3:52,440,416, C>T on the plus strand (G>A on the coding strand, the complement: SEMA3G is on the minus strand). VCF-style: chr3-52440416-C-T. GRCh37 (hg19) VCF-style: chr3-52474432-C-T.
Identifiers: ClinVar variation 3353339 (VCV003353339.1).
Genomic context (GRCh38, chr3:52,440,416, plus strand): 5'-CTGGCCCCAGCAGATACTCACCACGCCAGGGCGAGGGAAGGGCACCTTGCCCCCATAGGG[C>T]CCCCACTGGTGCTGAGGCCCATCTCGGTGGGCAAAGGGCCCGTTGAAAACCTCCCAGATG-3'
Protein context (NP_064548.1, residues 358-378): AHRDGPQHQW[Gly368=]PYGGKVPFPR

ClinVar aggregate classification (germline): Likely benign (0 of 4 stars; one submission).

Conditions:
SEMA3G-related disorder. Also called: SEMA3G-related condition.

gnomAD v4.1: 10 of 1,610,500 alleles (0.00062%); highest among the groups gnomAD compares: South Asian, 0.011%; 1 homozygote.

Submission:

PreventionGenetics, part of Exact Sciences
Classification: Likely benign for SEMA3G-related condition. Last evaluated: 2022-05-26. Review status: no assertion criteria provided. Collection method: clinical testing. Allele origin: germline.
Comment: This variant is classified as likely benign based on ACMG/AMP sequence variant interpretation guidelines (Richards et al. 2015 PMID: 25741868, with internal and published modifications).